The following is an entry in ClinVar:

NM_006044.4(HDAC6):c.2090C>T (p.Thr697Ile)

Gene: HDAC6 (histone deacetylase 6; plus strand). Cytogenetic location: Xp11.23.
Variant type: single nucleotide variant.
Coding change: c.2090C>T on transcript NM_006044.4 (MANE Select); coding-DNA position 2090, C replaced by T.
Protein change: p.Thr697Ile; replaces threonine 697 with isoleucine.
Molecular consequence: missense variant.
Genome position (GRCh38, 1-based): chrX:48,818,315, C>T. VCF-style: chrX-48818315-C-T. GRCh37 (hg19) VCF-style: chrX-48676722-C-T.
Other names: c.2132C>T, p.Thr711Ile (NM_001321225.2); c.2090C>T, p.Thr697Ile (NM_001321226.2, NM_001321227.2, NM_001321228.2 and 1 more transcripts); short protein forms T697I, T711I.
Identifiers: ClinVar variation 931626 (VCV000931626.3), dbSNP rs1557028459, ClinGen allele CA412879096.

ClinVar aggregate classification (germline): Uncertain significance (1 of 4 stars; one submission).

Conditions:
X-linked dominant chondrodysplasia, Chassaing-Lacombe type. Also called: Chondrodysplasia with platyspondyly, distinctive brachydactyly, hydrocephaly, and microphthalmia. Identifiers: Orphanet 163966, MedGen C3275476, MONDO:0010463, OMIM 300863.

Submission:

Centre for Mendelian Genomics, University Medical Centre Ljubljana
Classification: Uncertain significance for X-linked dominant chondrodysplasia, Chassaing-Lacombe type. Last evaluated: 2019-10-02. Review status: criteria provided, single submitter. Criteria: ACMG Guidelines, 2015. Collection method: clinical testing. Allele origin: unknown. Affected: yes.
Comment: This variant was classified as: Uncertain significance. The available evidence on this variant's pathogenicity is insufficient or conflicting. The following ACMG criteria were applied in classifying this variant: PM2,BP4.